The following is an entry in ClinVar:

ClinVar aggregate classification (germline): Conflicting classifications of pathogenicity. Review status: criteria provided, conflicting classifications (1 of 4 stars). 3 submissions from 3 submitters: Likely pathogenic (1); Uncertain significance (1). 1 of the submissions does not count toward it. Last evaluated 2026-07-01.

Conditions:
Autosomal recessive hypohidrotic ectodermal dysplasia syndrome. Also called: Autosomal recessive hypohidrotic ectodermal dysplasia. Identifiers: Orphanet 248, MedGen C0406702, MONDO:0016619.
Ectodermal dysplasia 10A, hypohidrotic/hair/nail type, autosomal dominant (ECTD10A). Also called: Ectodermal Dysplasia 3, Anhidrotic. Identifiers: Orphanet 1810, Orphanet 238468, MedGen C3888065, MONDO:0007509, OMIM 129490.
Ectodermal dysplasia 10B, hypohidrotic/hair/tooth type, autosomal recessive. Also called: Ectodermal dysplasia 10B, hypohidrotic/hair/tooth type, autosomal; Ectodermal Dysplasia, Hypohidrotic, Autosomal Recessive. Identifiers: Orphanet 238468, Orphanet 248, MedGen C3887494, MONDO:0009147, OMIM 224900.

Allele frequency attached by ClinVar (database versions not stated): gnomAD exomes below 0.00001 and 0.00002; gnomAD 0.00002 and 0.00001; TOPMed 0.00002; ExAC 0.00002.
gnomAD v4.1: 9 of 1,614,050 alleles (0.00056%); highest among the groups gnomAD compares: Non-Finnish European, 0.00076%; no homozygotes.

Submissions (3):

Lupski Lab, Baylor-Hopkins CMG, Baylor College of Medicine
Classification: Likely pathogenic for Ectodermal dysplasia 10B, hypohidrotic/hair/tooth type, autosomal recessive. Last evaluated: 2026-07-01. Review status: criteria provided, single submitter. Criteria: ACMG Guidelines, 2015. Collection method: research. Allele origin: germline, maternal. Inheritance: Autosomal recessive inheritance. Affected: yes. Observed: 2 variant alleles, 2 compound heterozygotes. Clinical features observed: Decreased lacrimation (HP:0000633), Periorbital wrinkles (HP:0000607), Hyperpigmentation of the skin (HP:0000953), Dry skin (HP:0000958), Thin skin (HP:0000963), Plantar hyperkeratosis (HP:0007556), Sparse eyelashes (HP:0000653), Sparse eyebrow (HP:0045075), Sparse scalp hair (HP:0002209), Brittle hair (HP:0002299), Fine hair (HP:0002213), Sparse body hair (HP:0002231), and 27 more.
Comment: It is at extremely low frequency in gnomAD (PM2_Supporting= +1pt). Computational prediction tools support a deleterious effect of the variant (Franklin, Aggregated score: 0.986)(PP3_Supporting= +1pt). It is a missense variant in a gene with a low rate of benign missense mutations, and for which missense mutation is a common mechanism of disease (PP2_Supporting= +1pt). It is a non-truncating non-synonymous variant located in a mutational hotspot (7 P/LP reported variants were found in a 92 bp region surrounding this variant in exon 4, without any missense benign variants)(PM1_Moderate= +2pts). 7 pts (PM3 +2, PM2 +1, PP3 +1, PP2 +1, PM1 +2).

Labcorp Genetics (formerly Invitae), Labcorp
Classification: Uncertain significance for Ectodermal dysplasia 10A, hypohidrotic/hair/nail type, autosomal dominant; Autosomal recessive hypohidrotic ectodermal dysplasia syndrome. Last evaluated: 2023-09-10. Review status: criteria provided, single submitter. Criteria: Invitae Variant Classification Sherloc (09022015). Collection method: clinical testing. Allele origin: germline.
Comment: This variant is present in population databases (rs121908451, gnomAD 0.004%). This missense change has been observed in individual(s) with hypohidrotic ectodermal dysplasia (PMID: 10431241). This sequence change replaces cysteine, which is neutral and slightly polar, with arginine, which is basic and polar, at codon 87 of the EDAR protein (p.Cys87Arg). Experimental studies have shown that this missense change affects EDAR function (PMID: 11279189). ClinVar contains an entry for this variant (Variation ID: 5851). Advanced modeling of protein sequence and biophysical properties (such as structural, functional, and spatial information, amino acid conservation, physicochemical variation, residue mobility, and thermodynamic stability) performed at Invitae indicates that this missense variant is expected to disrupt EDAR protein function. In summary, the available evidence is currently insufficient to determine the role of this variant in disease. Therefore, it has been classified as a Variant of Uncertain Significance.

OMIM
Classification: Pathogenic for ECTODERMAL DYSPLASIA 10B, HYPOHIDROTIC/HAIR/TOOTH TYPE, AUTOSOMAL RECESSIVE. Last evaluated: 1999-08-01. Review status: no assertion criteria provided. Collection method: literature only. Allele origin: germline. Not counted in ClinVar's aggregate classification.

Literature cited by the submitters: PubMed 10431241 (cited by Labcorp Genetics (formerly Invitae), Labcorp and OMIM); PubMed 11279189 (cited by Labcorp Genetics (formerly Invitae), Labcorp).

NM_022336.4(EDAR):c.259T>C (p.Cys87Arg)

Genes: EDAR (ectodysplasin A receptor; minus strand), RANBP2 (RAN binding protein 2; plus strand). Cytogenetic location: 2q13.
Variant type: single nucleotide variant.
Coding change: c.259T>C on transcript NM_022336.4 (MANE Select); coding-DNA position 259, T replaced by C.
Protein change: p.Cys87Arg; replaces cysteine 87 with arginine.
Molecular consequence: missense variant.
Genome position (GRCh38, 1-based): chr2:108,929,295, A>G on the plus strand (T>C on the coding strand, the complement: EDAR is on the minus strand). VCF-style: chr2-108929295-A-G. GRCh37 (hg19) VCF-style: chr2-109545751-A-G.
Other names: short protein forms C87R.
Identifiers: ClinVar variation 5851 (VCV000005851.10), dbSNP rs121908451, ClinGen allele CA253629.